The following is an entry in ClinVar:

ClinVar aggregate classification (germline): Likely benign. Review status: criteria provided, single submitter (1 of 4 stars). 2 submissions from 2 submitters: Likely benign (1). 1 of the submissions does not count toward it. Last evaluated 2023-09-05.

Conditions:
COL9A1-related disorder. Also called: COL9A1-related condition; COL9A1-related disorders.

Submissions (2):

Blueprint Genetics
Classification: Likely benign. Last evaluated: 2023-09-05. Review status: criteria provided, single submitter. Criteria: ACMG Guidelines, 2015. Collection method: clinical testing. Allele origin: germline.

PreventionGenetics, part of Exact Sciences
Classification: Likely benign for COL9A1-related condition. Last evaluated: 2019-09-04. Review status: no assertion criteria provided. Collection method: clinical testing. Allele origin: germline. Not counted in ClinVar's aggregate classification.
Comment: This variant is classified as likely benign based on ACMG/AMP sequence variant interpretation guidelines (Richards et al. 2015 PMID: 25741868, with internal and published modifications).

NM_001851.6(COL9A1):c.1342-8_1342-7del

Gene: COL9A1 (collagen type IX alpha 1 chain; minus strand). Cytogenetic location: 6q13.
Variant type: Deletion.
Coding change: c.1342-8_1342-7del on transcript NM_001851.6 (MANE Select); 8 bases into the intron before coding-DNA position 1342 through 7 bases into the intron before coding-DNA position 1342, 2 bases deleted (TT; older notation c.1342-8_1342-7delTT).
Molecular consequence: intron variant.
Genome position (GRCh38, 1-based): chr6:70,263,304-70,263,305, AA deleted on the plus strand (TT on the coding strand, the reverse complement: COL9A1 is on the minus strand); deleting any 2 consecutive bases within chr6:70,263,304-70,263,311 gives the same sequence; the c. name uses the placement nearest the transcript's 3' end. VCF-style (leftmost placement, unchanged base first): chr6-70263303-GAA-G. GRCh37 (hg19) VCF-style: chr6-70973006-GAA-G.
Other names: c.613-8_613-7del (NM_001377290.1, NM_078485.4, NM_001377289.1).
Identifiers: ClinVar variation 3035527 (VCV003035527.3), dbSNP rs537445397, ClinGen allele CA3882261.